The following is an entry in ClinVar:

NM_015459.5(ATL3):c.166C>T (p.Arg56Ter)

Gene: ATL3 (atlastin GTPase 3; minus strand). Cytogenetic location: 11q13.1.
Variant type: single nucleotide variant.
Coding change: c.166C>T on transcript NM_015459.5 (MANE Select); coding-DNA position 166, C replaced by T.
Protein change: p.Arg56Ter; replaces arginine 56 with a stop codon.
Molecular consequence: nonsense.
Genome position (GRCh38, 1-based): chr11:63,659,133, G>A on the plus strand (C>T on the coding strand, the complement: ATL3 is on the minus strand). VCF-style: chr11-63659133-G-A. GRCh37 (hg19) VCF-style: chr11-63426605-G-A.
Other names: c.112C>T, p.Arg38Ter (NM_001290048.2); short protein forms R56*, R38*.
Identifiers: ClinVar variation 580103 (VCV000580103.7), dbSNP rs527298351, ClinGen allele CA6063867.

ClinVar aggregate classification (germline): Uncertain significance (1 of 4 stars; one submission).

Conditions:
Neuropathy, hereditary sensory, type 1F. Also called: Hereditary sensory neuropathy type IF; HSN IF. Identifiers: Orphanet 36386, MedGen C3810194, MONDO:0014286, OMIM 615632.

Allele frequency attached by ClinVar (database versions not stated): gnomAD 0.00003 and 0.00002; ExAC 0.00001; TOPMed 0.00005; 1000 Genomes Project 30x 0.00016; 1000 Genomes Project 0.00020.
gnomAD v4.1: 15 of 1,613,980 alleles (0.00093%); highest among the groups gnomAD compares: Admixed American, 0.012%; no homozygotes.

Submission:

Labcorp Genetics (formerly Invitae), Labcorp
Classification: Uncertain significance for Neuropathy, hereditary sensory, type 1F. Last evaluated: 2025-11-23. Review status: criteria provided, single submitter. Criteria: Invitae Variant Classification Sherloc (09022015). Collection method: clinical testing. Allele origin: germline.
Comment: This sequence change creates a premature translational stop signal (p.Arg56*) in the ATL3 gene. It is expected to result in an absent or disrupted protein product. However, the current clinical and genetic evidence is not sufficient to establish whether loss-of-function variants in ATL3 cause disease. This variant is present in population databases (rs527298351, gnomAD 0.006%). This variant has not been reported in the literature in individuals affected with ATL3-related conditions. ClinVar contains an entry for this variant (Variation ID: 580103). In summary, the available evidence is currently insufficient to determine the role of this variant in disease. Therefore, it has been classified as a Variant of Uncertain Significance.